The following is an entry in ClinVar:

ClinVar aggregate classification (germline): Conflicting classifications of pathogenicity. Review status: criteria provided, conflicting classifications (1 of 4 stars). 2 submissions from 2 submitters: Uncertain significance (1); Likely benign (1). Last evaluated 2025-09-15.

Conditions:
Cardiovascular phenotype. Identifiers: MedGen CN230736.
Primary familial hypertrophic cardiomyopathy (HCM). Identifiers: Orphanet 99739, MedGen C0949658, MeSH D024741, MONDO:0024573. Inheritance: Various modes of inheritance.
Dilated cardiomyopathy 1AA (CMD1AA). Also called: Cardiomyopathy, dilated, 1AA, with or without LVNC; CARDIOMYOPATHY, FAMILIAL HYPERTROPHIC, 23, WITH OR WITHOUT LEFT VENTRICULAR NONCOMPACTION; CARDIOMYOPATHY, DILATED, 1AA, WITH OR WITHOUT LEFT VENTRICULAR NONCOMPACTION. Identifiers: Orphanet 154, MedGen C2677338, MONDO:0012808, OMIM 612158.

Allele frequency attached by ClinVar (database versions not stated): gnomAD exomes below 0.00001; ExAC 0.00001; 1000 Genomes Project 30x 0.00016.
gnomAD v4.1: 6 of 1,614,010 alleles (0.00037%); highest among the groups gnomAD compares: South Asian, 0.0011%; no homozygotes.

Submissions (2):

Ambry Genetics
Classification: Uncertain significance for Cardiovascular phenotype. Last evaluated: 2025-09-15. Review status: criteria provided, single submitter. Criteria: Ambry Variant Classification Scheme 2023. Collection method: clinical testing. Allele origin: germline.
Comment: The c.702C>T variant (also known as p.I234I), located in coding exon 8 of the ACTN2 gene, results from a C to T substitution at nucleotide position 702. This nucleotide substitution does not change the amino acid at codon 234. This nucleotide position is poorly conserved in available vertebrate species. In silico splice site analysis for this alteration is inconclusive. Based on the available evidence, the clinical significance of this variant remains unclear.

Labcorp Genetics (formerly Invitae), Labcorp
Classification: Likely benign for Primary familial hypertrophic cardiomyopathy; Dilated cardiomyopathy 1AA. Last evaluated: 2025-02-06. Review status: criteria provided, single submitter. Criteria: Invitae Variant Classification Sherloc (09022015). Collection method: clinical testing. Allele origin: germline.

NM_001103.4(ACTN2):c.702C>T (p.Ile234=)

Gene: ACTN2 (actinin alpha 2; plus strand). Cytogenetic location: 1q43.
Variant type: single nucleotide variant.
Coding change: c.702C>T on transcript NM_001103.4 (MANE Select); coding-DNA position 702, C replaced by T.
Protein change: p.Ile234=; no amino-acid change (isoleucine 234 retained).
Molecular consequence: synonymous variant. On other transcripts: non-coding transcript variant (1), intron variant (1).
Genome position (GRCh38, 1-based): chr1:236,735,639, C>T. VCF-style: chr1-236735639-C-T. GRCh37 (hg19) VCF-style: chr1-236898939-C-T.
Other names: c.702C>T (NM_001103.2); c.-34C>T (NM_001278344.2); c.-159C>T (NM_001412150.1); c.783+1121C>T (NM_001278343.2).
Identifiers: ClinVar variation 2152699 (VCV002152699.5), dbSNP rs751046389, ClinGen allele CA1472916.
Genomic context (GRCh38, chr1:236,735,639, plus strand): 5'-GTATGTGTGTGGTGTGTGTGTGTGCGCGCGTCCTGTGTTATTTTCTCCCCCTTCAGACAT[C>T]GTGAACACCCCTAAACCCGATGAAAGAGCCATCATGACGTACGTCTCTTGCTTCTACCAC-3'
Protein context (NP_001094.1, residues 224-244): DIPKMLDAED[Ile234=]VNTPKPDERA